The following is an entry in ClinVar:

NM_000235.4(LIPA):c.1158G>C (p.Arg386Ser)

Gene: LIPA (lipase A, lysosomal acid type; minus strand). Cytogenetic location: 10q23.31.
Variant type: single nucleotide variant.
Coding change: c.1158G>C on transcript NM_000235.4 (MANE Select); coding-DNA position 1158, G replaced by C.
Protein change: p.Arg386Ser; replaces arginine 386 with serine.
Molecular consequence: missense variant.
Genome position (GRCh38, 1-based): chr10:89,214,870, C>G on the plus strand (G>C on the coding strand, the complement: LIPA is on the minus strand). VCF-style: chr10-89214870-C-G. GRCh37 (hg19) VCF-style: chr10-90974627-C-G.
Other names: c.1158G>C, p.Arg386Ser (NM_001127605.3); c.810G>C, p.Arg270Ser (NM_001288979.2); c.1158G>C (NM_000235.2); short protein forms R386S, R270S.
Identifiers: ClinVar variation 695035 (VCV000695035.6), dbSNP rs529668674, ClinGen allele CA5593498.

ClinVar aggregate classification (germline): Conflicting classifications of pathogenicity. Review status: criteria provided, conflicting classifications (1 of 4 stars). 3 submissions from 3 submitters: Likely pathogenic (1); Uncertain significance (2). Last evaluated 2025-01-02.

Conditions:
Cardiovascular phenotype. Identifiers: MedGen CN230736.
Wolman disease (WOLD). Also called: Acid cholesteryl ester hydrolase deficiency, Wolman type; Acid lipase disease; Wolman disease, CESD; LYSOSOMAL ACID LIPASE DEFICIENCY, ACUTE INFANTILE; LYSOSOMAL ACID LIPASE DEFICIENCY, COMPLETE; LIPA DEFICIENCY, COMPLETE. Identifiers: Orphanet 75233, MedGen C0043208, MONDO:0019148, OMIM 620151.
Lysosomal acid lipase deficiency. Also called: Acid cholesteryl ester hydrolase deficiency, type 2. Identifiers: Orphanet 275761, MedGen C5574740, MONDO:0800449, MONDO:0010204.

Allele frequency attached by ClinVar (database versions not stated): TOPMed 0.00002; 1000 Genomes Project 30x 0.00016; 1000 Genomes Project 0.00020.
gnomAD v4.1: 11 of 1,612,756 alleles (0.00068%); highest among the groups gnomAD compares: East Asian, 0.011%; no homozygotes.

Submissions (3):

Ambry Genetics
Classification: Uncertain significance for Cardiovascular phenotype. Last evaluated: 2025-01-02. Review status: criteria provided, single submitter. Criteria: Ambry Variant Classification Scheme 2023. Collection method: clinical testing. Allele origin: germline.
Comment: The p.R386S variant (also known as c.1158G>C), located in coding exon 9 of the LIPA gene, results from a G to C substitution at nucleotide position 1158. The arginine at codon 386 is replaced by serine, an amino acid with dissimilar properties. Functional studies suggest this variant may have some impact on LIPA function; however, additional evidence is needed to confirm this finding (Del Angel G et al. Hum Mutat, 2019 Nov;40:2007-2020). This amino acid position is not well conserved in available vertebrate species. In addition, this alteration is predicted to be tolerated by in silico analysis. Based on the available evidence, the clinical significance of this variant remains unclear.

Labcorp Genetics (formerly Invitae), Labcorp
Classification: Uncertain significance for Wolman disease. Last evaluated: 2022-08-31. Review status: criteria provided, single submitter. Criteria: Invitae Variant Classification Sherloc (09022015). Collection method: clinical testing. Allele origin: germline.
Comment: This sequence change replaces arginine, which is basic and polar, with serine, which is neutral and polar, at codon 386 of the LIPA protein (p.Arg386Ser). This variant is present in population databases (rs529668674, gnomAD 0.04%). This variant has not been reported in the literature in individuals affected with LIPA-related conditions. ClinVar contains an entry for this variant (Variation ID: 695035). Algorithms developed to predict the effect of missense changes on protein structure and function are either unavailable or do not agree on the potential impact of this missense change (SIFT: "Tolerated"; PolyPhen-2: "Possibly Damaging"; Align-GVGD: "Class C0"). Experimental studies have shown that this missense change affects LIPA function (PMID: 31180157). In summary, the available evidence is currently insufficient to determine the role of this variant in disease. Therefore, it has been classified as a Variant of Uncertain Significance.

Alexion, Astrazeneca Rare Disease, Astrazeneca
Classification: Likely pathogenic for Lysosomal acid lipase deficiency. Last evaluated: 2019-06-01. Review status: criteria provided, single submitter. Criteria: ACMG Guidelines, 2015. Collection method: research. Allele origin: germline.
Comment: ACMG PS3 criterion ascertained by in-vitro functional study, PMID:31180157

Literature cited by the submitters: PubMed 31180157 (cited by 3 submitters).